The following is an entry in ClinVar:

NM_032638.5(GATA2):c.401C>G (p.Pro134Arg)

Gene: GATA2 (GATA binding protein 2; minus strand). Cytogenetic location: 3q21.3.
Variant type: single nucleotide variant.
Coding change: c.401C>G on transcript NM_032638.5 (MANE Select); coding-DNA position 401, C replaced by G.
Protein change: p.Pro134Arg; replaces proline 134 with arginine.
Molecular consequence: missense variant.
Genome position (GRCh38, 1-based): chr3:128,486,197, G>C on the plus strand (C>G on the coding strand, the complement: GATA2 is on the minus strand). VCF-style: chr3-128486197-G-C. GRCh37 (hg19) VCF-style: chr3-128205040-G-C.
Other names: c.401C>G, p.Pro134Arg (NM_001145662.1, NM_001145661.2); short protein forms P134R.
Identifiers: ClinVar variation 4620639 (VCV004620639.1).

ClinVar aggregate classification (germline): Uncertain significance (1 of 4 stars; one submission).

Conditions:
Inborn genetic diseases. Identifiers: MedGen C0950123, MeSH D030342.

Submission:

Ambry Genetics
Classification: Uncertain significance for Inborn genetic diseases. Last evaluated: 2025-11-17. Review status: criteria provided, single submitter. Criteria: Ambry Variant Classification Scheme 2023. Collection method: clinical testing. Allele origin: germline.
Comment: The p.P134R variant (also known as c.401C>G), located in coding exon 2 of the GATA2 gene, results from a C to G substitution at nucleotide position 401. The proline at codon 134 is replaced by arginine, an amino acid with dissimilar properties. This amino acid position is conserved. In addition, the in silico prediction for this alteration is inconclusive. Based on the available evidence, the clinical significance of this variant remains unclear.